The following is an entry in ClinVar:

NM_001130004.2(ACTN1):c.1272C>T (p.Thr424=)

Gene: ACTN1 (actinin alpha 1; minus strand). Cytogenetic location: 14q24.1.
Variant type: single nucleotide variant.
Coding change: c.1272C>T on transcript NM_001130004.2 (MANE Select); coding-DNA position 1272, C replaced by T.
Protein change: p.Thr424=; no amino-acid change (threonine 424 retained).
Molecular consequence: synonymous variant.
Genome position (GRCh38, 1-based): chr14:68,885,538, G>A on the plus strand (C>T on the coding strand, the complement: ACTN1 is on the minus strand). VCF-style: chr14-68885538-G-A. GRCh37 (hg19) VCF-style: chr14-69352255-G-A.
Other names: c.1272C>T, p.Thr424= (NM_001102.4, NM_001130005.2).
Identifiers: ClinVar variation 712148 (VCV000712148.25), dbSNP rs114608420, ClinGen allele CA7242407.

ClinVar aggregate classification (germline): Benign/Likely benign. Review status: criteria provided, multiple submitters, no conflicts (2 of 4 stars). 5 submissions from 5 submitters: Benign (2); Likely benign (2). 1 of the submissions does not count toward it. Last evaluated 2025-12-19.

Conditions:
ACTN1-related disorder. Also called: ACTN1-related condition.

Allele frequency attached by ClinVar (database versions not stated): gnomAD exomes 0.00018 and 0.00042; ExAC 0.00044; ESP Exome Variant Server 0.00085; gnomAD 0.00121 and 0.00133; TOPMed 0.00141; 1000 Genomes Project 30x 0.00172; 1000 Genomes Project 0.00180.
gnomAD v4.1: 460 of 1,613,938 alleles (0.029%); highest among the groups gnomAD compares: African/African-American, 0.41%; 3 homozygotes.

Submissions (5):

Labcorp Genetics (formerly Invitae), Labcorp
Classification: Benign. Last evaluated: 2025-12-19. Review status: criteria provided, single submitter. Criteria: Invitae Variant Classification Sherloc (09022015). Collection method: clinical testing. Allele origin: germline.

CeGaT Center for Human Genetics Tuebingen
Classification: Likely benign. Last evaluated: 2024-11-01. Review status: criteria provided, single submitter. Criteria: CeGaT Center For Human Genetics Tuebingen Variant Classification Criteria Version 2. Collection method: clinical testing. Allele origin: germline. Affected: yes. Observed: 1 variant allele.
Comment: ACTN1: BP4, BP7

Blueprint Genetics
Classification: Likely benign. Last evaluated: 2024-10-07. Review status: criteria provided, single submitter. Criteria: ACMG Guidelines, 2015. Collection method: clinical testing. Allele origin: germline.

Breakthrough Genomics
Classification: Benign. Review status: criteria provided, single submitter. Criteria: ACMG Guidelines, 2015. Collection method: not provided. Allele origin: germline. Inheritance: Autosomal dominant inheritance. Affected: yes.

PreventionGenetics, part of Exact Sciences
Classification: Benign for ACTN1-related condition. Last evaluated: 2019-08-12. Review status: no assertion criteria provided. Collection method: clinical testing. Allele origin: germline. Not counted in ClinVar's aggregate classification.
Comment: This variant is classified as benign based on ACMG/AMP sequence variant interpretation guidelines (Richards et al. 2015 PMID: 25741868, with internal and published modifications).